The following is an entry in ClinVar:

NM_002087.4(GRN):c.1585_1587del (p.Asp529del)

Gene: GRN (granulin precursor; plus strand). Cytogenetic location: 17q21.31.
Variant type: Deletion.
Coding change: c.1585_1587del on transcript NM_002087.4 (MANE Select); coding-DNA positions 1585 to 1587, 3 bases deleted (GAT; older notation c.1585_1587delGAT).
Protein change: p.Asp529del; deletes aspartic acid 529.
Molecular consequence: inframe deletion.
Genome position (GRCh38, 1-based): chr17:44,352,512-44,352,514, GAT deleted; deleting any 3 consecutive bases within chr17:44,352,510-44,352,514 gives the same sequence; the c. name uses the placement nearest the transcript's 3' end. VCF-style (leftmost placement, unchanged base first): chr17-44352509-CATG-C. GRCh37 (hg19) VCF-style: chr17-42429877-CATG-C.
Other names: short protein forms D529del.
Identifiers: ClinVar variation 2647834 (VCV002647834.24), dbSNP rs2510058419, ClinGen allele CA2695200261.

ClinVar aggregate classification (germline): Uncertain significance (1 of 4 stars; one submission).

Submission:

CeGaT Center for Human Genetics Tuebingen
Classification: Uncertain significance. Last evaluated: 2023-03-01. Review status: criteria provided, single submitter. Criteria: CeGaT Center For Human Genetics Tuebingen Variant Classification Criteria Version 2. Collection method: clinical testing. Allele origin: germline. Affected: yes. Observed: 1 variant allele.
Comment: GRN: PM2, PM4:Supporting